The following is an entry in ClinVar:

ClinVar aggregate classification (germline): Conflicting classifications of pathogenicity. Review status: criteria provided, conflicting classifications (1 of 4 stars). 3 submissions from 3 submitters: Uncertain significance (2); Likely benign (1). Last evaluated 2025-11-01.

Conditions:
DST-related disorder. Also called: DST-related disorders; DST-related condition.
Hereditary sensory and autonomic neuropathy type 6. Also called: Neuropathy, hereditary sensory and autonomic, type VI; HSAN VI. Identifiers: Orphanet 314381, MedGen C3539003, MONDO:0013839, OMIM 614653.
Epidermolysis bullosa simplex 3, localized or generalized intermediate, with BP230 deficiency (EBS3). Also called: Epidermolysis bullosa simplex, autosomal recessive 2; Epidermolysis bullosa simplex due to BP230 deficiency. Identifiers: Orphanet 412181, MedGen C3809470, MONDO:0014180, OMIM 615425.

Allele frequency attached by ClinVar (database versions not stated): gnomAD exomes 0.00002 and 0.00004; ExAC 0.00003; gnomAD 0.00007; TOPMed 0.00009; ESP Exome Variant Server 0.00017.
gnomAD v4.1: 38 of 1,612,994 alleles (0.0024%); highest among the groups gnomAD compares: Non-Finnish European, 0.0031%; no homozygotes.

Submissions (3):

CeGaT Center for Human Genetics Tuebingen
Classification: Uncertain significance. Last evaluated: 2025-11-01. Review status: criteria provided, single submitter. Criteria: CeGaT Center For Human Genetics Tuebingen Variant Classification Criteria Version 2. Collection method: clinical testing. Allele origin: germline. Affected: yes. Observed: 1 variant allele.
Comment: DST: PM2, BP4

PreventionGenetics, part of Exact Sciences
Classification: Likely benign for DST-related condition. Last evaluated: 2025-10-27. Review status: criteria provided, single submitter. Criteria: ACMG Guidelines, 2015. Collection method: clinical testing. Allele origin: germline.
Comment: This variant is classified as likely benign based on ACMG/AMP sequence variant interpretation guidelines (Richards et al. 2015 PMID: 25741868, with internal and published modifications).

Labcorp Genetics (formerly Invitae), Labcorp
Classification: Uncertain significance for Epidermolysis bullosa simplex 3, localized or generalized intermediate, with BP230 deficiency; Hereditary sensory and autonomic neuropathy type 6. Last evaluated: 2022-07-05. Review status: criteria provided, single submitter. Criteria: Invitae Variant Classification Sherloc (09022015). Collection method: clinical testing. Allele origin: germline.
Comment: The DST gene has multiple clinically relevant transcripts. This variant occurs in alternate transcript NM_015548.4, and corresponds to NM_001723.5:c.*83179T>C in the primary transcript. This sequence change falls in intron 45 of the DST gene. It does not directly change the encoded amino acid sequence of the DST protein. It affects a nucleotide within the consensus splice site. This variant is present in population databases (rs375166905, gnomAD 0.006%). This variant has not been reported in the literature in individuals affected with DST-related conditions. Variants that disrupt the consensus splice site are a relatively common cause of aberrant splicing (PMID: 17576681, 9536098). Algorithms developed to predict the effect of sequence changes on RNA splicing suggest that this variant is not likely to affect RNA splicing. In summary, the available evidence is currently insufficient to determine the role of this variant in disease. Therefore, it has been classified as a Variant of Uncertain Significance.

Literature cited by the submitters: PubMed 17576681 (cited by Labcorp Genetics (formerly Invitae), Labcorp); PubMed 9536098 (cited by Labcorp Genetics (formerly Invitae), Labcorp).

NM_001374736.1(DST):c.17108+6T>C

Gene: DST (dystonin; minus strand). Cytogenetic location: 6p12.1.
Variant type: single nucleotide variant.
Coding change: c.17108+6T>C on transcript NM_001374736.1 (MANE Select); 6 bases into the intron after coding-DNA position 17108, T replaced by C.
Molecular consequence: intron variant.
Genome position (GRCh38, 1-based): chr6:56,532,338, A>G on the plus strand (T>C on the coding strand, the complement: DST is on the minus strand). VCF-style: chr6-56532338-A-G. GRCh37 (hg19) VCF-style: chr6-56397136-A-G.
Other names: c.10751+6T>C (NM_001144769.5, NM_001144769.2); c.17108+6T>C (NM_001374722.1); c.17135+6T>C (NM_001374734.1); c.10337+6T>C (NM_001144770.2); c.10217+6T>C (NM_001374730.1, NM_183380.4); c.16475+6T>C (NM_001374729.1); c.9239+6T>C (NM_015548.5).
Identifiers: ClinVar variation 970977 (VCV000970977.14), dbSNP rs375166905, ClinGen allele CA3867528.